The following is an entry in ClinVar:

NM_004036.5(ADCY3):c.961C>T (p.Leu321Phe)

Gene: ADCY3 (adenylate cyclase 3; minus strand). Cytogenetic location: 2p23.3.
Variant type: single nucleotide variant.
Coding change: c.961C>T on transcript NM_004036.5 (MANE Select); coding-DNA position 961, C replaced by T.
Protein change: p.Leu321Phe; replaces leucine 321 with phenylalanine.
Molecular consequence: missense variant.
Genome position (GRCh38, 1-based): chr2:24,841,663, G>A on the plus strand (C>T on the coding strand, the complement: ADCY3 is on the minus strand). VCF-style: chr2-24841663-G-A. GRCh37 (hg19) VCF-style: chr2-25064532-G-A.
Other names: c.961C>T (NM_004036.4); c.961C>T, p.Leu321Phe (NM_001320613.2, NM_001377128.1, NM_001377129.1 and 2 more transcripts); c.238C>T, p.Leu80Phe (NM_001377131.1); short protein forms L321F, L80F.
Identifiers: ClinVar variation 5000985 (VCV005000985.2).

ClinVar aggregate classification (germline): Uncertain significance. Review status: criteria provided, multiple submitters, no conflicts (2 of 4 stars). 2 submissions from 2 submitters: Uncertain significance (2). Last evaluated 2026-03-23.

Conditions:
ADCY3-related disorder. Also called: ADCY3-related condition.

Submissions (2):

GeneDx
Classification: Uncertain significance. Last evaluated: 2026-03-23. Review status: criteria provided, single submitter. Criteria: GeneDx Variant Classification Process June 2021. Collection method: clinical testing. Allele origin: germline.
Comment: Not observed at significant frequency in large population cohorts (gnomAD); In silico analysis supports that this missense variant has a deleterious effect on protein structure/function; Has not been previously published as pathogenic or benign to our knowledge

PreventionGenetics, part of Exact Sciences
Classification: Uncertain significance for ADCY3-related condition. Last evaluated: 2025-01-16. Review status: criteria provided, single submitter. Criteria: ACMG Guidelines, 2015. Collection method: clinical testing. Allele origin: germline.
Comment: The ADCY3 c.961C>T variant is predicted to result in the amino acid substitution p.Leu321Phe. To our knowledge, this variant has not been reported in the literature or in a large population database (gnomAD), indicating this variant is rare. At this time, the clinical significance of this variant is uncertain due to the absence of conclusive functional and genetic evidence.